The following is an entry in ClinVar:

ClinVar aggregate classification (germline): Uncertain significance (1 of 4 stars; one submission).

Submission:

Labcorp Genetics (formerly Invitae), Labcorp
Classification: Uncertain significance. Last evaluated: 2021-02-04. Review status: criteria provided, single submitter. Criteria: Invitae Variant Classification Sherloc (09022015). Collection method: clinical testing. Allele origin: germline.
Comment: In summary, the available evidence is currently insufficient to determine the role of this variant in disease. Therefore, it has been classified as a Variant of Uncertain Significance. Algorithms developed to predict the effect of missense changes on protein structure and function are either unavailable or do not agree on the potential impact of this missense change (SIFT: "Deleterious"; PolyPhen-2: "Possibly Damaging"; Align-GVGD: "Class C0"). This variant has not been reported in the literature in individuals with CTNNA1-related conditions. This variant is not present in population databases (ExAC no frequency). This sequence change replaces lysine with glutamic acid at codon 50 of the CTNNA1 protein (p.Lys50Glu). The lysine residue is highly conserved and there is a small physicochemical difference between lysine and glutamic acid.

NM_001903.5(CTNNA1):c.148A>G (p.Lys50Glu)

Gene: CTNNA1 (catenin alpha 1; plus strand). Cytogenetic location: 5q31.2.
Variant type: single nucleotide variant.
Coding change: c.148A>G on transcript NM_001903.5 (MANE Select); coding-DNA position 148, A replaced by G.
Protein change: p.Lys50Glu; replaces lysine 50 with glutamic acid.
Molecular consequence: missense variant. On other transcripts: 5 prime UTR variant (1), intron variant (1).
Genome position (GRCh38, 1-based): chr5:138,783,219, A>G. VCF-style: chr5-138783219-A-G. GRCh37 (hg19) VCF-style: chr5-138118908-A-G.
Other names: c.148A>G, p.Lys50Glu (NM_001290307.3, NM_001323982.2, NM_001323983.1 and 3 more transcripts); c.-59A>G (NM_001290310.3); c.-9+1190A>G (NM_001290309.3); short protein forms K50E.
Identifiers: ClinVar variation 1396807 (VCV001396807.8), dbSNP rs2149656222, ClinGen allele CA361477349.